The following is an entry in ClinVar:

ClinVar aggregate classification (germline): Uncertain significance (1 of 4 stars; one submission).

Conditions:
Hereditary spastic paraplegia 48. Also called: SPASTIC PARAPLEGIA 48, AUTOSOMAL RECESSIVE; Spastic paraplegia 48. Identifiers: Orphanet 306511, MedGen C3150901, MONDO:0013342, OMIM 613647.

Submission:

Labcorp Genetics (formerly Invitae), Labcorp
Classification: Uncertain significance for Hereditary spastic paraplegia 48. Last evaluated: 2018-08-02. Review status: criteria provided, single submitter. Criteria: Invitae Variant Classification Sherloc (09022015). Collection method: clinical testing. Allele origin: germline.
Comment: In summary, the available evidence is currently insufficient to determine the role of this variant in disease. Therefore, it has been classified as a Variant of Uncertain Significance. Algorithms developed to predict the effect of missense changes on protein structure and function are either unavailable or do not agree on the potential impact of this missense change (SIFT: "Tolerated"; PolyPhen-2: "Possibly Damaging"; Align-GVGD: "Class C0"). This variant has not been reported in the literature in individuals with AP5Z1-related disease. This variant is not present in population databases (ExAC no frequency). This sequence change replaces glutamine with glutamic acid at codon 400 of the AP5Z1 protein (p.Gln400Glu). The glutamine is weakly conserved and there is a small physicochemical difference between glutamine and glutamic acid.

NM_014855.3(AP5Z1):c.1197_1198delinsAG (p.Gln400Glu)

Gene: AP5Z1 (adaptor related protein complex 5 subunit zeta 1; plus strand). Cytogenetic location: 7p22.1.
Variant type: Indel.
Coding change: c.1197_1198delinsAG on transcript NM_014855.3 (MANE Select); coding-DNA positions 1197 to 1198, GC replaced by AG.
Protein change: p.Gln400Glu; replaces glutamine 400 with glutamic acid.
Molecular consequence: missense variant. On other transcripts: non-coding transcript variant (1).
Genome position (GRCh38, 1-based): chr7:4,786,314-4,786,315, GC replaced by AG. VCF-style: chr7-4786314-GC-AG. GRCh37 (hg19) VCF-style: chr7-4825945-GC-AG.
Other names: c.1197_1198delinsAG, p.Gln400Glu (LRG_1247t1); c.729_730delinsAG, p.Gln244Glu (NM_001364858.1); short protein forms Q400E, Q244E.
Identifiers: ClinVar variation 640204 (VCV000640204.7), dbSNP rs1583234434, ClinGen allele CA915944823.
Genomic context (GRCh38, chr7:4,786,314, plus strand): 5'-AGCGGCTGCAGTGGACTCGGAAGCCGTCTACCAGCACCTGTTCACCAGGATCCCGGTGGA[GC>AG]AGTTCCACAGCCCCATGCTGGCCTTTGAATTCATCCAGTTCTGCAGGGACAACCTCCACC-3'
Protein context (NP_055670.1, residues 390-410): QHLFTRIPVE[Gln400Glu]FHSPMLAFEF